The following is an entry in ClinVar:

NM_001844.5(COL2A1):c.163del (p.Cys55fs)

Gene: COL2A1 (collagen type II alpha 1 chain; minus strand). Cytogenetic location: 12q13.11.
Variant type: Deletion.
Coding change: c.163del on transcript NM_001844.5 (MANE Select); coding-DNA position 163, one base deleted (T; older notation c.163delT).
Protein change: p.Cys55fs; shifts the reading frame from cysteine 55.
Molecular consequence: frameshift variant. On other transcripts: intron variant (1).
Genome position (GRCh38, 1-based): chr12:48,000,048, A deleted on the plus strand (T on the coding strand, the reverse complement: COL2A1 is on the minus strand). VCF-style (leftmost placement, unchanged base first): chr12-48000047-CA-C. GRCh37 (hg19) VCF-style: chr12-48393830-CA-C.
Other names: c.86-1617del (NM_033150.3); short protein forms C55fs.
Identifiers: ClinVar variation 2018053 (VCV002018053.4), dbSNP rs2540187705, ClinGen allele CA2580085559.

ClinVar aggregate classification (germline): Pathogenic (1 of 4 stars; one submission).

Submission:

Labcorp Genetics (formerly Invitae), Labcorp
Classification: Pathogenic. Last evaluated: 2022-07-19. Review status: criteria provided, single submitter. Criteria: Invitae Variant Classification Sherloc (09022015). Collection method: clinical testing. Allele origin: germline.
Comment: For these reasons, this variant has been classified as Pathogenic. This variant has not been reported in the literature in individuals affected with COL2A1-related conditions. This variant is not present in population databases (gnomAD no frequency). This sequence change creates a premature translational stop signal (p.Cys55Valfs*13) in the COL2A1 gene. It is expected to result in an absent or disrupted protein product. Loss-of-function variants in COL2A1 are known to be pathogenic (PMID: 20179744).

Literature cited by the submitters: PubMed 20179744.